The following is an entry in ClinVar:

NM_000038.6(APC):c.6434G>A (p.Gly2145Glu)

Gene: APC (APC regulator of Wnt signaling pathway; plus strand). Cytogenetic location: 5q22.2.
Variant type: single nucleotide variant.
Coding change: c.6434G>A on transcript NM_000038.6 (MANE Select); coding-DNA position 6434, G replaced by A.
Protein change: p.Gly2145Glu; replaces glycine 2145 with glutamic acid.
Molecular consequence: missense variant. On other transcripts: non-coding transcript variant (2).
Genome position (GRCh38, 1-based): chr5:112,842,028, G>A. VCF-style: chr5-112842028-G-A. GRCh37 (hg19) VCF-style: chr5-112177725-G-A.
Other names: c.6434G>A, p.Gly2145Glu (NM_001127510.3, NM_001354895.2, NM_001407450.1); c.6380G>A, p.Gly2127Glu (NM_001127511.3); c.6488G>A, p.Gly2163Glu (NM_001354896.2, NM_001407447.1, NM_001407448.1 and 1 more transcripts); c.6464G>A, p.Gly2155Glu (NM_001354897.2); c.6359G>A, p.Gly2120Glu (NM_001354898.2); c.6350G>A, p.Gly2117Glu (NM_001354899.2); c.6311G>A, p.Gly2104Glu (NM_001354900.2); c.6257G>A, p.Gly2086Glu (NM_001354901.2, NM_001407453.1); and 11 more; short protein forms G1862E, G2044E, G2120E, G2163E, G1761E, G2016E, G2062E, G2135E.
Identifiers: ClinVar variation 4121565 (VCV004121565.1).

ClinVar aggregate classification (germline): Uncertain significance (1 of 4 stars; one submission).

Conditions:
Hereditary cancer-predisposing syndrome. Also called: Hereditary neoplastic syndrome; Neoplastic Syndromes, Hereditary; Tumor predisposition; Hereditary Cancer Syndrome. Identifiers: Orphanet 140162, MedGen C0027672, MeSH D009386, MONDO:0015356.

Submission:

Ambry Genetics
Classification: Uncertain significance for Hereditary cancer-predisposing syndrome. Last evaluated: 2025-08-22. Review status: criteria provided, single submitter. Criteria: Ambry Variant Classification Scheme 2023. Collection method: clinical testing. Allele origin: germline.
Comment: The p.G2145E variant (also known as c.6434G>A), located in coding exon 15 of the APC gene, results from a G to A substitution at nucleotide position 6434. The glycine at codon 2145 is replaced by glutamic acid, an amino acid with similar properties. This amino acid position is conserved. In addition, in silico predictors for this gene do not accurately predict pathogenicity. Based on the available evidence, the clinical significance of this variant remains unclear.